The following is an entry in ClinVar:

NM_001042492.3(NF1):c.8363_8364insGAAG (p.Gln2789fs)

Gene: NF1 (neurofibromin 1; plus strand). Cytogenetic location: 17q11.2.
Variant type: Insertion.
Coding change: c.8363_8364insGAAG on transcript NM_001042492.3 (MANE Select); coding-DNA positions 8363 to 8364, GAAG inserted.
Protein change: p.Gln2789fs; shifts the reading frame from glutamine 2789.
Molecular consequence: frameshift variant.
Genome position: GRCh38 VCF-style: chr17-31360689-C-CGAAG. GRCh37 (hg19) VCF-style: chr17-29687707-C-CGAAG.
Other names: c.8300_8301insGAAG, p.Gln2768fs (NM_000267.4); short protein forms Q2768fs, Q2789fs.
Identifiers: ClinVar variation 4721196 (VCV004721196.1).
Genomic context (GRCh38, chr17:31,360,689, plus strand): 5'-GCCAGCTTAGTATCACTGCCAACCTTAACCTTTCTAATTCCATGACCTCACTTGCAACTT[C>CGAAG]CCAGCATTCCCCAGGTCAGTAAATGTGATCTTTATATGACTTTGAGCAACAATATAAGAC-3'

ClinVar aggregate classification (germline): Uncertain significance (1 of 4 stars; one submission).

Conditions:
Neurofibromatosis, type 1 (NF1). Also called: NEUROFIBROMATOSIS, TYPE I, SOMATIC; VON RECKLINGHAUSEN DISEASE; Peripheral type neurofibromatosis; Neurofibromatosis, type I. Identifiers: Orphanet 636, MedGen C0027831, MONDO:0018975, OMIM 162200. Disease mechanism: loss of function.

Submission:

Labcorp Genetics (formerly Invitae), Labcorp
Classification: Uncertain significance for Neurofibromatosis, type 1. Last evaluated: 2025-06-11. Review status: criteria provided, single submitter. Criteria: Invitae Variant Classification Sherloc (09022015). Collection method: clinical testing. Allele origin: germline.
Comment: This sequence change creates a premature translational stop signal (p.Gln2768Lysfs*13) in the NF1 gene. While this is not anticipated to result in nonsense mediated decay, it is expected to disrupt the last 51 amino acid(s) of the NF1 protein. This variant is not present in population databases (gnomAD no frequency). This variant has not been reported in the literature in individuals affected with NF1-related conditions. Experimental studies and prediction algorithms are not available or were not evaluated, and the functional significance of this variant is currently unknown. In summary, the available evidence is currently insufficient to determine the role of this variant in disease. Therefore, it has been classified as a Variant of Uncertain Significance.